The following is an entry in ClinVar:

ClinVar aggregate classification (germline): Uncertain significance (1 of 4 stars; one submission).

Conditions:
Hereditary hemochromatosis (HFE). Identifiers: MedGen C0392514, MONDO:0006507. Disease mechanism: loss of function.

Allele frequency attached by ClinVar (database versions not stated): gnomAD exomes 0.00001 and 0.00003; gnomAD 0.00002; TOPMed 0.00002.
gnomAD v4.1: 42 of 1,614,054 alleles (0.0026%); highest among the groups gnomAD compares: Non-Finnish European, 0.0036%; no homozygotes.

Submission:

Labcorp Genetics (formerly Invitae), Labcorp
Classification: Uncertain significance for Hereditary hemochromatosis. Last evaluated: 2024-10-08. Review status: criteria provided, single submitter. Criteria: Invitae Variant Classification Sherloc (09022015). Collection method: clinical testing. Allele origin: germline.
Comment: This sequence change replaces aspartic acid, which is acidic and polar, with asparagine, which is neutral and polar, at codon 242 of the HFE protein (p.Asp242Asn). This variant is present in population databases (rs780188535, gnomAD 0.002%). This variant has not been reported in the literature in individuals affected with HFE-related conditions. ClinVar contains an entry for this variant (Variation ID: 959749). Invitae Evidence Modeling of protein sequence and biophysical properties (such as structural, functional, and spatial information, amino acid conservation, physicochemical variation, residue mobility, and thermodynamic stability) indicates that this missense variant is not expected to disrupt HFE protein function with a negative predictive value of 80%. In summary, the available evidence is currently insufficient to determine the role of this variant in disease. Therefore, it has been classified as a Variant of Uncertain Significance.

NM_000410.4(HFE):c.724G>A (p.Asp242Asn)

Gene: HFE (homeostatic iron regulator; plus strand). Cytogenetic location: 6p22.2.
Variant type: single nucleotide variant.
Coding change: c.724G>A on transcript NM_000410.4 (MANE Select); coding-DNA position 724, G replaced by A.
Protein change: p.Asp242Asn; replaces aspartic acid 242 with asparagine.
Molecular consequence: missense variant. On other transcripts: intron variant (1).
Genome position (GRCh38, 1-based): chr6:26,092,792, G>A. VCF-style: chr6-26092792-G-A. GRCh37 (hg19) VCF-style: chr6-26093020-G-A.
Other names: c.724G>A, p.Asp242Asn (NM_001300749.3, NM_001384164.1); c.715G>A, p.Asp239Asn (NM_001406751.1); c.460G>A, p.Asp154Asn (NM_001406752.1, NM_139007.3); c.406G>A, p.Asp136Asn (NM_139003.3); c.448G>A, p.Asp150Asn (NM_139004.3); c.682G>A, p.Asp228Asn (NM_139006.3); c.418G>A, p.Asp140Asn (NM_139008.3); c.655G>A, p.Asp219Asn (NM_139009.3); and 2 more; short protein forms D219N, D140N, D150N, D62N, D154N, D228N, D136N, D242N.
Identifiers: ClinVar variation 959749 (VCV000959749.8), dbSNP rs780188535, ClinGen allele CA136292908.
Genomic context (GRCh38, chr6:26,092,792, plus strand): 5'-ACTCTACGGTGTCGGGCCTTGAACTACTACCCCCAGAACATCACCATGAAGTGGCTGAAG[G>A]ATAAGCAGCCAATGGATGCCAAGGAGTTCGAACCTAAAGACGTATTGCCCAATGGGGATG-3'
Protein context (NP_000401.1, residues 232-252): PQNITMKWLK[Asp242Asn]KQPMDAKEFE